The following is an entry in ClinVar:

ClinVar aggregate classification (germline): Uncertain significance. Review status: criteria provided, multiple submitters, no conflicts (2 of 4 stars). 3 submissions from 3 submitters: Uncertain significance (3). Last evaluated 2024-06-22.

Conditions:
Neuroblastoma, susceptibility to, 3. Also called: ALK-Related Neuroblastic Tumor Susceptibility. Identifiers: Orphanet 635, MedGen C2751681, MONDO:0013083, OMIM 613014.
Hereditary cancer-predisposing syndrome. Also called: Neoplastic Syndromes, Hereditary; Tumor predisposition; Hereditary neoplastic syndrome; Hereditary Cancer Syndrome. Identifiers: Orphanet 140162, MedGen C0027672, MeSH D009386, MONDO:0015356.

Allele frequency attached by ClinVar (database versions not stated): gnomAD exomes below 0.00001.
gnomAD v4.1: 1 of 1,614,032 alleles (0.000062%); highest among the groups gnomAD compares: Non-Finnish European, 0.000085%; no homozygotes.

Submissions (3):

Ambry Genetics
Classification: Uncertain significance for Hereditary cancer-predisposing syndrome. Last evaluated: 2024-06-22. Review status: criteria provided, single submitter. Criteria: Ambry Variant Classification Scheme 2023. Collection method: clinical testing. Allele origin: germline.
Comment: The p.L216R variant (also known as c.647T>G), located in coding exon 1 of the ALK gene, results from a T to G substitution at nucleotide position 647. The leucine at codon 216 is replaced by arginine, an amino acid with dissimilar properties. This amino acid position is conserved. In addition, this alteration is predicted to be deleterious by in silico analysis. Since supporting evidence is limited at this time, the clinical significance of this alteration remains unclear.

Labcorp Genetics (formerly Invitae), Labcorp
Classification: Uncertain significance for Neuroblastoma, susceptibility to, 3. Last evaluated: 2024-04-15. Review status: criteria provided, single submitter. Criteria: Invitae Variant Classification Sherloc (09022015). Collection method: clinical testing. Allele origin: germline.
Comment: This sequence change replaces leucine, which is neutral and non-polar, with arginine, which is basic and polar, at codon 216 of the ALK protein (p.Leu216Arg). This variant is not present in population databases (gnomAD no frequency). This variant has not been reported in the literature in individuals affected with ALK-related conditions. ClinVar contains an entry for this variant (Variation ID: 1753759). An algorithm developed to predict the effect of missense changes on protein structure and function (PolyPhen-2) suggests that this variant is likely to be disruptive. In summary, the available evidence is currently insufficient to determine the role of this variant in disease. Therefore, it has been classified as a Variant of Uncertain Significance.

Baylor Genetics
Classification: Uncertain significance for Neuroblastoma, susceptibility to, 3. Last evaluated: 2023-09-02. Review status: criteria provided, single submitter. Criteria: ACMG Guidelines, 2015. Collection method: clinical testing. Allele origin: unknown.

NM_004304.5(ALK):c.647T>G (p.Leu216Arg)

Gene: ALK (ALK receptor tyrosine kinase; minus strand). Cytogenetic location: 2p23.1.
Variant type: single nucleotide variant.
Coding change: c.647T>G on transcript NM_004304.5 (MANE Select); coding-DNA position 647, T replaced by G.
Protein change: p.Leu216Arg; replaces leucine 216 with arginine.
Molecular consequence: missense variant.
Genome position (GRCh38, 1-based): chr2:29,920,013, A>C on the plus strand (T>G on the coding strand, the complement: ALK is on the minus strand). VCF-style: chr2-29920013-A-C. GRCh37 (hg19) VCF-style: chr2-30142879-A-C.
Other names: short protein forms L216R.
Identifiers: ClinVar variation 1753759 (VCV001753759.8), dbSNP rs2148442821, ClinGen allele CA346589623.